The following is an entry in ClinVar:

ClinVar aggregate classification (germline): Uncertain significance (1 of 4 stars; one submission).

Conditions:
Hereditary cancer-predisposing syndrome. Also called: Hereditary Cancer Syndrome; Hereditary neoplastic syndrome; Neoplastic Syndromes, Hereditary; Tumor predisposition. Identifiers: Orphanet 140162, MedGen C0027672, MeSH D009386, MONDO:0015356.

Submission:

Ambry Genetics
Classification: Uncertain significance for Hereditary cancer-predisposing syndrome. Last evaluated: 2026-07-08. Review status: criteria provided, single submitter. Criteria: Ambry Variant Classification Scheme 2023. Collection method: clinical testing. Allele origin: germline.
Comment: The p.I536T variant (also known as c.1607T>C), located in coding exon 17 of the RB1 gene, results from a T to C substitution at nucleotide position 1607. The isoleucine at codon 536 is replaced by threonine, an amino acid with similar properties. This amino acid position is highly conserved in available vertebrate species. In addition, this alteration is predicted to be deleterious by in silico analysis. Based on the available evidence, the clinical significance of this variant remains unclear.

NM_000321.3(RB1):c.1607T>C (p.Ile536Thr)

Gene: RB1 (RB transcriptional corepressor 1; plus strand). Cytogenetic location: 13q14.2.
Variant type: single nucleotide variant.
Coding change: c.1607T>C on transcript NM_000321.3 (MANE Select); coding-DNA position 1607, T replaced by C.
Protein change: p.Ile536Thr; replaces isoleucine 536 with threonine.
Molecular consequence: missense variant.
Genome position (GRCh38, 1-based): chr13:48,381,355, T>C. VCF-style: chr13-48381355-T-C. GRCh37 (hg19) VCF-style: chr13-48955491-T-C.
Other names: c.1607T>C, p.Ile536Thr (NM_001407165.1, NM_001407166.1); short protein forms I536T.
Identifiers: ClinVar variation 3787275 (VCV003787275.2).
Genomic context (GRCh38, chr13:48,381,355, plus strand): 5'-GGATTCTGAATGTGCTTAATTTAAAAGCCTTTGATTTTTACAAAGTGATCGAAAGTTTTA[T>C]CAAAGCAGAAGGCAACTTGACAAGAGAAATGATAAAACATTTAGAACGATGTGAACATCG-3'
Protein context (NP_000312.2, residues 526-546): FDFYKVIESF[Ile536Thr]KAEGNLTREM